The following is an entry in ClinVar:

NM_004656.4(BAP1):c.98A>C (p.Tyr33Ser)

Gene: BAP1 (BRCA1 associated deubiquitinase 1; minus strand). Cytogenetic location: 3p21.1.
Variant type: single nucleotide variant.
Coding change: c.98A>C on transcript NM_004656.4 (MANE Select); coding-DNA position 98, A replaced by C.
Protein change: p.Tyr33Ser; replaces tyrosine 33 with serine.
Molecular consequence: missense variant.
Genome position (GRCh38, 1-based): chr3:52,409,578, T>G on the plus strand (A>C on the coding strand, the complement: BAP1 is on the minus strand). VCF-style: chr3-52409578-T-G. GRCh37 (hg19) VCF-style: chr3-52443594-T-G.
Other names: c.98A>C, p.Tyr33Ser (NM_001410772.1); short protein forms Y33S.
Identifiers: ClinVar variation 4888049 (VCV004888049.1).

ClinVar aggregate classification (germline): Likely pathogenic (1 of 4 stars; one submission).

Submission:

GeneDx
Classification: Likely pathogenic. Last evaluated: 2026-02-03. Review status: criteria provided, single submitter. Criteria: GeneDx Variant Classification Process June 2021. Collection method: clinical testing. Allele origin: germline.
Comment: Reported among a large cohort of patients with neurodevelopmental disorders; further patient-specific clinical detail was not provided (PMID: 33057194, 35982159); Not observed at significant frequency in large population cohorts (gnomAD); In silico analysis supports that this missense variant has a deleterious effect on protein structure/function; This variant is associated with the following publications: (PMID: 35982159, 33057194)